The following is an entry in ClinVar:

NM_005188.4(CBL):c.1598dup (p.Leu533fs)

Gene: CBL (Cbl proto-oncogene; plus strand). Cytogenetic location: 11q23.3.
Variant type: Duplication.
Coding change: c.1598dup on transcript NM_005188.4 (MANE Select); coding-DNA position 1598, one base duplicated (T; older notation c.1598dupT).
Protein change: p.Leu533fs; shifts the reading frame from leucine 533.
Molecular consequence: frameshift variant.
Genome position (GRCh38, 1-based): chr11:119,285,223, T duplicated; the last of 2 consecutive T bases (chr11:119,285,222-119,285,223); duplicating either gives the same sequence. VCF-style (leftmost placement, unchanged base first): chr11-119285221-A-AT. GRCh37 (hg19) VCF-style: chr11-119155931-A-AT.
Other names: short protein forms L533fs.
Identifiers: ClinVar variation 2096115 (VCV002096115.4), dbSNP rs2496952220, ClinGen allele CA2580083646.

ClinVar aggregate classification (germline): Uncertain significance (1 of 4 stars; one submission).

Conditions:
RASopathy. Also called: rasopathies; Noonan spectrum disorder. Identifiers: Orphanet 536391, MedGen C5555857, MONDO:0021060.

Submission:

Labcorp Genetics (formerly Invitae), Labcorp
Classification: Uncertain significance for RASopathy. Last evaluated: 2022-02-10. Review status: criteria provided, single submitter. Criteria: Invitae Variant Classification Sherloc (09022015). Collection method: clinical testing. Allele origin: germline.
Comment: In summary, the available evidence is currently insufficient to determine the role of this variant in disease. Therefore, it has been classified as a Variant of Uncertain Significance. Experimental studies and prediction algorithms are not available or were not evaluated, and the functional significance of this variant is currently unknown. This variant has not been reported in the literature in individuals affected with CBL-related conditions. This variant is not present in population databases (gnomAD no frequency). This sequence change creates a premature translational stop signal (p.Leu533Phefs*52) in the CBL gene. It is expected to result in an absent or disrupted protein product. However, the current clinical and genetic evidence is not sufficient to establish whether loss-of-function variants in CBL cause disease.